The following is an entry in ClinVar:

NM_205836.3(FBXO38):c.2674C>T (p.Arg892Cys)

Gene: FBXO38 (F-box protein 38; plus strand). Cytogenetic location: 5q32.
Variant type: single nucleotide variant.
Coding change: c.2674C>T on transcript NM_205836.3 (MANE Select); coding-DNA position 2674, C replaced by T.
Protein change: p.Arg892Cys; replaces arginine 892 with cysteine.
Molecular consequence: missense variant.
Genome position (GRCh38, 1-based): chr5:148,433,444, C>T. VCF-style: chr5-148433444-C-T. GRCh37 (hg19) VCF-style: chr5-147813007-C-T.
Other names: c.1939C>T, p.Arg647Cys (NM_001271723.2); c.2449C>T, p.Arg817Cys (NM_030793.5); short protein forms R892C, R647C, R817C.
Identifiers: ClinVar variation 1794594 (VCV001794594.4), dbSNP rs763710454, ClinGen allele CA3497567.

ClinVar aggregate classification (germline): Uncertain significance. Review status: criteria provided, multiple submitters, no conflicts (2 of 4 stars). 2 submissions from 2 submitters: Uncertain significance (2). Last evaluated 2024-08-01.

Conditions:
Distal hereditary motor neuropathy type 2. Identifiers: Orphanet 139525, MedGen C3711384, MeSH C580044, MONDO:0015352.

Allele frequency attached by ClinVar (database versions not stated): gnomAD exomes 0.00001; ExAC 0.00002.
gnomAD v4.1: 14 of 1,612,868 alleles (0.00087%); highest among the groups gnomAD compares: South Asian, 0.0055%; no homozygotes.

Submissions (2):

Labcorp Genetics (formerly Invitae), Labcorp
Classification: Uncertain significance for Distal hereditary motor neuropathy type 2. Last evaluated: 2024-08-01. Review status: criteria provided, single submitter. Criteria: Invitae Variant Classification Sherloc (09022015). Collection method: clinical testing. Allele origin: germline.
Comment: This sequence change replaces arginine, which is basic and polar, with cysteine, which is neutral and slightly polar, at codon 817 of the FBXO38 protein (p.Arg817Cys). This variant is present in population databases (rs763710454, gnomAD 0.007%). This variant has not been reported in the literature in individuals affected with FBXO38-related conditions. ClinVar contains an entry for this variant (Variation ID: 1794594). An algorithm developed to predict the effect of missense changes on protein structure and function outputs the following: PolyPhen-2: "Benign". The cysteine amino acid residue is found in multiple mammalian species, which suggests that this missense change does not adversely affect protein function. In summary, the available evidence is currently insufficient to determine the role of this variant in disease. Therefore, it has been classified as a Variant of Uncertain Significance.

Ambry Genetics
Classification: Uncertain significance. Last evaluated: 2020-02-18. Review status: criteria provided, single submitter. Criteria: Ambry Variant Classification Scheme 2023. Collection method: clinical testing. Allele origin: germline.
Comment: The p.R892C variant (also known as c.2674C>T), located in coding exon 15 of the FBXO38 gene, results from a C to T substitution at nucleotide position 2674. The arginine at codon 892 is replaced by cysteine, an amino acid with highly dissimilar properties. This amino acid position is not well conserved in available vertebrate species. In addition, this alteration is predicted to be tolerated by in silico analysis. Since supporting evidence is limited at this time, the clinical significance of this alteration remains unclear.